The following is an entry in ClinVar:

ClinVar aggregate classification (germline): Uncertain significance (1 of 4 stars; one submission).

Submission:

CeGaT Center for Human Genetics Tuebingen
Classification: Uncertain significance. Last evaluated: 2025-07-01. Review status: criteria provided, single submitter. Criteria: CeGaT Center For Human Genetics Tuebingen Variant Classification Criteria Version 2. Collection method: clinical testing. Allele origin: germline. Affected: yes. Observed: 1 variant allele.
Comment: DST: PM2, PP2, PP3

NM_001374736.1(DST):c.1421G>T (p.Gly474Val)

Gene: DST (dystonin; minus strand). Cytogenetic location: 6p12.1.
Variant type: single nucleotide variant.
Coding change: c.1421G>T on transcript NM_001374736.1 (MANE Select); coding-DNA position 1421, G replaced by T.
Protein change: p.Gly474Val; replaces glycine 474 with valine.
Molecular consequence: missense variant.
Genome position (GRCh38, 1-based): chr6:56,650,939, C>A on the plus strand (G>T on the coding strand, the complement: DST is on the minus strand). VCF-style: chr6-56650939-C-A. GRCh37 (hg19) VCF-style: chr6-56515737-C-A.
Other names: c.1322G>T, p.Gly441Val (NM_001144769.5); c.908G>T, p.Gly303Val (NM_001144770.2); c.1421G>T, p.Gly474Val (NM_001374722.1); c.788G>T, p.Gly263Val (NM_001374729.1, NM_001374730.1, NM_001386100.1 and 1 more transcripts); c.1448G>T, p.Gly483Val (NM_001374734.1); short protein forms G263V, G303V, G441V, G474V, G483V.
Identifiers: ClinVar variation 3906044 (VCV003906044.10).